The following is an entry in ClinVar:

ClinVar aggregate classification (germline): Likely benign (0 of 4 stars; one submission).

Conditions:
ITSN1-related disorder. Also called: ITSN1-related condition.

Allele frequency attached by ClinVar (database versions not stated): gnomAD exomes 0.00020; ExAC 0.00077; 1000 Genomes Project 30x 0.00172; 1000 Genomes Project 0.00180; gnomAD 0.00188; TOPMed 0.00196; ESP Exome Variant Server 0.00238.
gnomAD v4.1: 621 of 1,607,668 alleles (0.039%); highest among the groups gnomAD compares: African/African-American, 0.64%; 4 homozygotes.

Submission:

PreventionGenetics, part of Exact Sciences
Classification: Likely benign for ITSN1-related condition. Last evaluated: 2020-01-21. Review status: no assertion criteria provided. Collection method: clinical testing. Allele origin: germline.
Comment: This variant is classified as likely benign based on ACMG/AMP sequence variant interpretation guidelines (Richards et al. 2015 PMID: 25741868, with internal and published modifications).

NM_003024.3(ITSN1):c.4146A>G (p.Val1382=)

Gene: ITSN1 (intersectin 1; plus strand). Cytogenetic location: 21q22.11.
Variant type: single nucleotide variant.
Coding change: c.4146A>G on transcript NM_003024.3 (MANE Select); coding-DNA position 4146, A replaced by G.
Protein change: p.Val1382=; no amino-acid change (valine 1382 retained).
Molecular consequence: synonymous variant.
Genome position (GRCh38, 1-based): chr21:33,867,304, A>G. VCF-style: chr21-33867304-A-G. GRCh37 (hg19) VCF-style: chr21-35239608-A-G.
Other names: c.4131A>G, p.Val1377= (NM_001331010.2).
Identifiers: ClinVar variation 3048633 (VCV003048633.2), dbSNP rs147533088, ClinGen allele CA10012352.
Genomic context (GRCh38, chr21:33,867,304, plus strand): 5'-GGATCCTCGGTGTAAAGGGATGCCACTCTCTAGTTTTATACTGAAGCCTATGCAACGGGT[A>G]ACAAGATACCCACTGATCATTAAAAATGTAAGTACCTGTCTTGCCTTTTCAAGCAGGGGA-3'
Protein context (NP_003015.2, residues 1372-1392): SSFILKPMQR[Val1382=]TRYPLIIKNI